The following is an entry in ClinVar:

ClinVar aggregate classification (germline): Uncertain significance (1 of 4 stars; one submission).

gnomAD v4.1: 1 of 1,612,148 alleles (0.000062%); no homozygotes.

Submission:

Women's Health and Genetics/Laboratory Corporation of America, LabCorp
Classification: Uncertain significance. Last evaluated: 2025-09-05. Review status: criteria provided, single submitter. Criteria: LabCorp Variant Classification Summary - May 2015. Collection method: clinical testing. Allele origin: germline.
Comment: Variant summary: RDH12 c.688C>A (p.Pro230Thr) results in a non-conservative amino acid change in the encoded protein sequence. Algorithms developed to predict the effect of missense changes on protein structure and function all suggest that this variant is likely to be disruptive. The frequency data for this variant in gnomAD is considered unreliable, as metrics indicate poor data quality at this position. To our knowledge, no occurrence of c.688C>A in individuals affected with RDH12-related conditions and no experimental evidence demonstrating its impact on protein function have been reported. No submitters have cited clinical-significance assessments for this variant to ClinVar. Based on the evidence outlined above, the variant was classified as uncertain significance.

NM_152443.3(RDH12):c.688C>A (p.Pro230Thr)

Genes: GPHN (gephyrin; plus strand), RDH12 (retinol dehydrogenase 12; plus strand), ZFYVE26 (zinc finger FYVE-type containing 26; minus strand). Cytogenetic location: 14q24.1.
Variant type: single nucleotide variant.
Coding change: c.688C>A on transcript NM_152443.3 (MANE Select); coding-DNA position 688, C replaced by A.
Protein change: p.Pro230Thr; replaces proline 230 with threonine.
Molecular consequence: missense variant.
Genome position (GRCh38, 1-based): chr14:67,729,220, C>A. VCF-style: chr14-67729220-C-A. GRCh37 (hg19) VCF-style: chr14-68195937-C-A.
Other names: short protein forms P230T.
Identifiers: ClinVar variation 4535732 (VCV004535732.1).